The following is an entry in ClinVar:

NM_017534.6(MYH2):c.193G>C (p.Glu65Gln)

Genes: MYH2 (myosin heavy chain 2; minus strand), MYHAS (myosin heavy chain gene cluster antisense RNA; plus strand). Cytogenetic location: 17p13.1.
Variant type: single nucleotide variant.
Coding change: c.193G>C on transcript NM_017534.6 (MANE Select); coding-DNA position 193, G replaced by C.
Protein change: p.Glu65Gln; replaces glutamic acid 65 with glutamine.
Molecular consequence: missense variant.
Genome position (GRCh38, 1-based): chr17:10,547,728, C>G on the plus strand (G>C on the coding strand, the complement: MYH2 is on the minus strand). VCF-style: chr17-10547728-C-G. GRCh37 (hg19) VCF-style: chr17-10451045-C-G.
Other names: c.193G>C, p.Glu65Gln (NM_001100112.2); short protein forms E65Q.
Identifiers: ClinVar variation 465925 (VCV000465925.6), dbSNP rs767472238, ClinGen allele CA8391714.

ClinVar aggregate classification (germline): Uncertain significance (1 of 4 stars; one submission).

Conditions:
Myopathy, proximal, and ophthalmoplegia (CMYO6). Also called: INCLUSION BODY MYOPATHY 3, AUTOSOMAL DOMINANT; CONGENITAL MYOPATHY 6 WITH OPHTHALMOPLEGIA; MYOPATHY WITH CONGENITAL JOINT CONTRACTURES, OPHTHALMOPLEGIA, AND RIMMED VACUOLES. Identifiers: Orphanet 363677, Orphanet 79091, MedGen C1854106, MONDO:0011577, OMIM 605637.

Allele frequency attached by ClinVar (database versions not stated): TOPMed 0.00003; gnomAD 0.00004; ExAC 0.00006.

Submission:

Labcorp Genetics (formerly Invitae), Labcorp
Classification: Uncertain significance for Myopathy, proximal, and ophthalmoplegia. Last evaluated: 2025-04-02. Review status: criteria provided, single submitter. Criteria: Invitae Variant Classification Sherloc (09022015). Collection method: clinical testing. Allele origin: germline.
Comment: This sequence change replaces glutamic acid, which is acidic and polar, with glutamine, which is neutral and polar, at codon 65 of the MYH2 protein (p.Glu65Gln). This variant is present in population databases (rs767472238, gnomAD 0.008%). This variant has not been reported in the literature in individuals affected with MYH2-related conditions. ClinVar contains an entry for this variant (Variation ID: 465925). Invitae Evidence Modeling of protein sequence and biophysical properties (such as structural, functional, and spatial information, amino acid conservation, physicochemical variation, residue mobility, and thermodynamic stability) has been performed for this missense variant. However, the output from this modeling did not meet the statistical confidence thresholds required to predict the impact of this variant on MYH2 protein function. In summary, the available evidence is currently insufficient to determine the role of this variant in disease. Therefore, it has been classified as a Variant of Uncertain Significance.